The following is an entry in ClinVar:

ClinVar aggregate classification (germline): Uncertain significance (1 of 4 stars; one submission).

Allele frequency attached by ClinVar (database versions not stated): gnomAD exomes 0.00001.
gnomAD v4.1: 2 of 1,349,338 alleles (0.00015%); highest among the groups gnomAD compares: Non-Finnish European, 0.00019%; no homozygotes.

Submission:

Labcorp Genetics (formerly Invitae), Labcorp
Classification: Uncertain significance. Last evaluated: 2022-07-11. Review status: criteria provided, single submitter. Criteria: Invitae Variant Classification Sherloc (09022015). Collection method: clinical testing. Allele origin: germline.
Comment: This sequence change replaces leucine, which is neutral and non-polar, with proline, which is neutral and non-polar, at codon 15 of the COL18A1 protein (p.Leu15Pro). This variant is not present in population databases (gnomAD no frequency). This variant has not been reported in the literature in individuals affected with COL18A1-related conditions. ClinVar contains an entry for this variant (Variation ID: 1393549). Experimental studies and prediction algorithms are not available or were not evaluated, and the functional significance of this variant is currently unknown. In summary, the available evidence is currently insufficient to determine the role of this variant in disease. Therefore, it has been classified as a Variant of Uncertain Significance.

NM_001379500.1(COL18A1):c.44T>C (p.Leu15Pro)

Genes: BNAT1 (breast cancer associated ESR1 regulating natural antisense transcript 1; minus strand), COL18A1 (collagen type XVIII alpha 1 chain; plus strand). Cytogenetic location: 21q22.3.
Variant type: single nucleotide variant.
Coding change: c.44T>C on transcript NM_001379500.1 (MANE Select); coding-DNA position 44, T replaced by C.
Protein change: p.Leu15Pro; replaces leucine 15 with proline.
Molecular consequence: missense variant.
Genome position (GRCh38, 1-based): chr21:45,405,411, T>C. VCF-style: chr21-45405411-T-C. GRCh37 (hg19) VCF-style: chr21-46825326-T-C.
Other names: short protein forms L15P.
Identifiers: ClinVar variation 1393549 (VCV001393549.3), dbSNP rs2123483650, ClinGen allele CA410620321.